The following is an entry in ClinVar:

NM_001035.3(RYR2):c.2943G>A (p.Met981Ile)

Gene: RYR2 (ryanodine receptor 2; plus strand). Cytogenetic location: 1q43.
Variant type: single nucleotide variant.
Coding change: c.2943G>A on transcript NM_001035.3 (MANE Select); coding-DNA position 2943, G replaced by A.
Protein change: p.Met981Ile; replaces methionine 981 with isoleucine.
Molecular consequence: missense variant.
Genome position (GRCh38, 1-based): chr1:237,548,467, G>A. VCF-style: chr1-237548467-G-A. GRCh37 (hg19) VCF-style: chr1-237711767-G-A.
Other names: short protein forms M981I.
Identifiers: ClinVar variation 4756260 (VCV004756260.1).

ClinVar aggregate classification (germline): Uncertain significance (1 of 4 stars; one submission).

Conditions:
Cardiomyopathy (CMYO). Also called: Cardiomyopathies. Identifiers: Orphanet 167848, MedGen C0878544, MONDO:0004994, HP:0001638. Inheritance: Various modes of inheritance.

gnomAD v4.1: 1 of 1,613,940 alleles (0.000062%); highest among the groups gnomAD compares: Non-Finnish European, 0.000085%; no homozygotes.

Submission:

Color Diagnostics, LLC DBA Color Health
Classification: Uncertain significance for Cardiomyopathy. Last evaluated: 2025-08-30. Review status: criteria provided, single submitter. Criteria: ACMG Guidelines, 2015. Collection method: clinical testing. Allele origin: germline.
Comment: This missense variant replaces methionine with isoleucine at codon 981 of the RYR2 protein. Computational prediction suggests that this variant may not impact protein structure and function. To our knowledge, functional studies have not been reported for this variant. This variant has not been reported in individuals affected with RYR2-related disorders in the literature. This variant has not been identified in the general population by the Genome Aggregation Database (gnomAD). The available evidence is insufficient to determine the role of this variant in disease conclusively. Therefore, this variant is classified as a Variant of Uncertain Significance.